The following is an entry in ClinVar:

ClinVar aggregate classification (germline): Benign/Likely benign. Review status: criteria provided, multiple submitters, no conflicts (2 of 4 stars). 5 submissions from 5 submitters: Benign (1); Likely benign (4). Last evaluated 2025-11-26.

Conditions:
Hereditary cancer-predisposing syndrome. Also called: Hereditary Cancer Syndrome; Neoplastic Syndromes, Hereditary; Tumor predisposition; Hereditary neoplastic syndrome. Identifiers: Orphanet 140162, MedGen C0027672, MeSH D009386, MONDO:0015356.
Ataxia-telangiectasia syndrome (AT). Also called: Ataxia telangiectasia (A-T); Ataxia-telangiectasia, complementation group E; LOUIS-BAR SYNDROME; Cerebello-oculocutaneous telangiectasia; Immunodeficiency with ataxia telangiectasia; Ataxia-telangiectasia, complementation group D. Identifiers: Orphanet 100, MedGen C0004135, MONDO:0008840, OMIM 208900.
Familial cancer of breast. Also called: Hereditary breast cancer; hereditary breast carcinoma; BREAST CANCER, FAMILIAL. Identifiers: Orphanet 227535, MedGen C0346153, MONDO:0016419, OMIM 114480. Disease mechanism: loss of function.

Allele frequency attached by ClinVar (database versions not stated): gnomAD exomes below 0.00001; gnomAD 0.00001; TOPMed 0.00001.
gnomAD v4.1: 8 of 1,613,950 alleles (0.0005%); highest among the groups gnomAD compares: Non-Finnish European, 0.00042%; no homozygotes.

Submissions (5):

Labcorp Genetics (formerly Invitae), Labcorp
Classification: Likely benign for Ataxia-telangiectasia syndrome. Last evaluated: 2025-11-26. Review status: criteria provided, single submitter. Criteria: Invitae Variant Classification Sherloc (09022015). Collection method: clinical testing. Allele origin: germline.

Myriad Genetics, Inc.
Classification: Benign for Familial cancer of breast. Last evaluated: 2024-05-24. Review status: criteria provided, single submitter. Criteria: Myriad Autosomal Dominant, Autosomal Recessive and X-Linked Classification Criteria (2023). Collection method: clinical testing. Allele origin: unknown.
Comment: This variant is considered benign. This variant is a silent/synonymous amino acid change and it is not expected to impact splicing.

Women's Health and Genetics/Laboratory Corporation of America, LabCorp
Classification: Likely benign. Last evaluated: 2022-02-09. Review status: criteria provided, single submitter. Criteria: LabCorp Variant Classification Summary - May 2015. Collection method: clinical testing. Allele origin: germline.

Color Diagnostics, LLC DBA Color Health
Classification: Likely benign for Hereditary cancer-predisposing syndrome. Last evaluated: 2017-02-09. Review status: criteria provided, single submitter. Criteria: ACMG Guidelines, 2015. Collection method: clinical testing. Allele origin: germline.

Ambry Genetics
Classification: Likely benign for Hereditary cancer-predisposing syndrome. Last evaluated: 2015-04-02. Review status: criteria provided, single submitter. Criteria: Ambry Variant Classification Scheme 2023. Collection method: clinical testing. Allele origin: germline.

NM_000051.4(ATM):c.5661A>G (p.Ala1887=)

Gene: ATM (ATM serine/threonine kinase; plus strand). Cytogenetic location: 11q22.3.
Variant type: single nucleotide variant.
Coding change: c.5661A>G on transcript NM_000051.4 (MANE Select); coding-DNA position 5661, A replaced by G.
Protein change: p.Ala1887=; no amino-acid change (alanine 1887 retained).
Molecular consequence: synonymous variant.
Genome position (GRCh38, 1-based): chr11:108,304,839, A>G. VCF-style: chr11-108304839-A-G. GRCh37 (hg19) VCF-style: chr11-108175566-A-G.
Other names: c.5661A>G, p.Ala1887= (NM_001351834.2).
Identifiers: ClinVar variation 231070 (VCV000231070.20), dbSNP rs876658939, ClinGen allele CA10579190.